The following is an entry in ClinVar:

ClinVar aggregate classification (germline): Pathogenic (1 of 4 stars; one submission).

Conditions:
Lymphangiomyomatosis (LAM). Also called: Lymphangioleiomyomatosis, somatic; Lymphangioleiomyomatosis. Identifiers: Orphanet 538, MedGen C0751674, MONDO:0011705, OMIM 606690.

Submission:

Centre for Mendelian Genomics, University Medical Centre Ljubljana
Classification: Pathogenic for Lymphangiomyomatosis. Last evaluated: 2018-11-14. Review status: criteria provided, single submitter. Criteria: ACMG Guidelines, 2015. Collection method: clinical testing. Allele origin: unknown. Affected: yes.
Comment: This variant was classified as: Pathogenic. The following ACMG criteria were applied in classifying this variant: PVS1,PM2,PP3,PS1.

NM_000548.5(TSC2):c.501G>A (p.Trp167Ter)

Gene: TSC2 (TSC complex subunit 2; plus strand). Cytogenetic location: 16p13.3.
Variant type: single nucleotide variant.
Coding change: c.501G>A on transcript NM_000548.5 (MANE Select); coding-DNA position 501, G replaced by A.
Protein change: p.Trp167Ter; replaces tryptophan 167 with a stop codon.
Molecular consequence: nonsense. On other transcripts: intron variant (1).
Genome position (GRCh38, 1-based): chr16:2,055,421, G>A. VCF-style: chr16-2055421-G-A. GRCh37 (hg19) VCF-style: chr16-2105422-G-A.
Other names: c.501G>A, p.Trp167Ter (NM_001077183.3, NM_001114382.3, NM_001363528.2 and 3 more transcripts); c.390G>A, p.Trp130Ter (NM_001318827.2); c.354G>A, p.Trp118Ter (NM_001318829.2); c.534G>A, p.Trp178Ter (NM_001318832.2); c.-1-775G>A (NM_001318831.2); short protein forms W130*, W178*, W118*, W167*.
Identifiers: ClinVar variation 930277 (VCV000930277.3), dbSNP rs755728007, ClinGen allele CA394309158.